The following continues an entry in ClinVar:

NM_000540.3(RYR1):c.7300G>A (p.Gly2434Arg)

Gene: RYR1. ClinVar aggregate classification (germline): Pathogenic; drug response. Pathogenic (1).

Submissions 11 to 20 of 45:

Labcorp Genetics (formerly Invitae), Labcorp
Classification: Pathogenic for RYR1-related disorder. Last evaluated: 2025-12-12. Review status: criteria provided, single submitter. Criteria: Invitae Variant Classification Sherloc (09022015). Collection method: clinical testing. Allele origin: germline. Not counted in ClinVar's aggregate classification.
Comment: This sequence change replaces glycine, which is neutral and non-polar, with arginine, which is basic and polar, at codon 2434 of the RYR1 protein (p.Gly2434Arg). This variant is present in population databases (rs121918593, gnomAD 0.008%). This missense change has been observed in individuals with autosomal dominant malignant hyperthermia (PMID: 7849712, 9030597, 10484775, 11668625, 19648156, 23842196, 24433488). It has also been observed to segregate with disease in related individuals. This variant is also known as p.Gly2433Arg. ClinVar contains an entry for this variant (Variation ID: 12970). Invitae Evidence Modeling of protein sequence and biophysical properties (such as structural, functional, and spatial information, amino acid conservation, physicochemical variation, residue mobility, and thermodynamic stability) indicates that this missense variant is expected to disrupt RYR1 protein function with a positive predictive value of 80%. Experimental studies have shown that this missense change affects RYR1 function (PMID: 9030597, 9334205). For these reasons, this variant has been classified as Pathogenic.

Women's Health and Genetics/Laboratory Corporation of America, LabCorp
Classification: Pathogenic for Central core myopathy. Last evaluated: 2025-10-07. Review status: criteria provided, single submitter. Criteria: LabCorp Variant Classification Summary - May 2015. Collection method: clinical testing. Allele origin: germline. Not counted in ClinVar's aggregate classification.
Comment: Variant summary: RYR1 c.7300G>A (p.Gly2434Arg) results in a non-conservative amino acid change in the encoded protein sequence. Algorithms developed to predict the effect of missense changes on protein structure and function all suggest that this variant is likely to be disruptive. The variant allele was found at a frequency of 3.2e-05 in 251254 control chromosomes (gnomAD). c.7300G>A has been observed in multiple individuals affected with malignant hyperthermia (Keating_1994, Richter_1997). These data indicate that the variant is very likely to be associated with disease. At least one publication reports experimental evidence evaluating an impact on protein function and this variant affected the RYR1 protein function (Tong_1997, Chen_2017, Lopez_2018). The following publications have been ascertained in the context of this evaluation (PMID: 28687594, 7849712, 30236258, 9030597, 9334205). ClinVar contains an entry for this variant (Variation ID: 12970). Based on the evidence outlined above, the variant was classified as pathogenic.

Variantyx, Inc.
Classification: Pathogenic for Malignant hyperthermia, susceptibility to, 1. Last evaluated: 2025-10-06. Review status: criteria provided, single submitter. Criteria: Variantyx Assertion Criteria 2022. Collection method: clinical testing. Allele origin: germline. Inheritance: Autosomal dominant inheritance. Affected: yes. Not counted in ClinVar's aggregate classification.
Comment: This is a nonsynonymous variant in the RYR1 gene (OMIM: 180901). Pathogenic variants in this gene have been associated with autosomal dominant susceptibility to malignant hyperthermia 1. This variant has been reported in several unrelated affected individuals (PMID: 30236257) (PS4). This variant has been observed to segregate with disease in 20 individuals across multiple families (PMID: 7849712, 11575529, 12059893, 25960145) (PP1). Functional studies have shown that this variant alters RYR1 protein function (PMID: 30236258) (PS3). This variant lies within a known hotspot for pathogenic variants or a well-established critical functional domain of the RYR1 protein (PMID: 21118704) (PM1). Multiple computational algorithms predict a deleterious effect for this variant (REVEL score: 0.965) (PP3). This variant has a 0.0126% maximum allele frequency in non-founder control populations.Based on the CSPEC guidelines this variant is classified as pathogenic for autosomal dominant susceptibility to malignant hyperthermia 1.This variant was reported by previous genetic testing.

Ambry Genetics
Classification: Pathogenic for Inborn genetic diseases. Last evaluated: 2025-10-01. Review status: criteria provided, single submitter. Criteria: Ambry Variant Classification Scheme 2023. Collection method: clinical testing. Allele origin: germline. Not counted in ClinVar's aggregate classification.
Comment: The c.7300G>A (p.G2434R) alteration is located in exon 45 (coding exon 45) of the RYR1 gene. This alteration results from a G to A substitution at nucleotide position 7300, causing the glycine (G) at amino acid position 2434 to be replaced by an arginine (R). Based on data from gnomAD, the A allele has an overall frequency of 0.004% (11/282,648) total alleles studied. The highest observed frequency was 0.008% (10/129,020) of European (non-Finnish) alleles. This alteration has been reported heterozygous in multiple patients and their family members with features consistent with malignant hyperthermia (Keating, 1994; Riazi, 2014; Snoeck, 2015; Witting, 2018; Knuiman, 2019). This amino acid position is highly conserved in available vertebrate species. This alteration has been shown in vitro to enhance the sensitivity of RYR1 to activating concentrations of Ca2+ and to the exogenous ligands, caffeine and 4-chloro-m-cresol. The study also showed reduced sensitivity to inhibiting concentrations of Ca2+ and calmodulin, transferring the mutant Ca2+ release channel into a hyperexcitable state (Richter, 1997). Another study by Chen et al. (2017) showed that the p.G2434R alteration, when expressed in HEK293 cells, reduced the threshold for store overload-induced Ca2+ release (SOICR), allowing for spontaneous Ca2+ release from the sarcoplasmic reticulum, which has been proposed as the cause of uncontrolled muscle contraction. This alteration is predicted to be deleterious by in silico analysis. Based on the available evidence, this alteration is classified as pathogenic.

Daryl Scott Lab, Baylor College of Medicine
Classification: Pathogenic for RYR1-related disorder. Last evaluated: 2025-08-25. Review status: criteria provided, single submitter. Criteria: ACMG Guidelines, 2015. Collection method: clinical testing. Allele origin: unknown. Affected: yes. Observed: 1 heterozygote. Not counted in ClinVar's aggregate classification.
Comment: PS3, PS4, PM1, PP1_Strong, PP3_Moderate, BS2

3billion
Classification: Pathogenic for Malignant hyperthermia, susceptibility to, 1. Last evaluated: 2025-08-04. Review status: criteria provided, single submitter. Criteria: ACMG Guidelines, 2015. Collection method: clinical testing. Allele origin: germline. Affected: yes. Not counted in ClinVar's aggregate classification.
Comment: The variant is observed in the gnomAD v4.1.0 dataset (total allele frequency: 0.010%). Predicted Consequence/Location: The variant is located in a mutational hot spot and/or well-established functional domain in which established pathogenic variants have been reported (PMID: 33767344). In silico tool predictions suggest damaging effect of the variant on gene or gene product [REVEL: 0.96 (>=0.6, sensitivity 0.68 and specificity 0.92); 3Cnet: 0.98 (> 0.75, sensitivity 0.96 and precision 0.92)]. The same nucleotide change resulting in the same amino acid change has been previously reported as pathogenic/likely pathogenic with strong evidence (ClinVar ID: VCV000012970 /PMID: 7849712). The variant has been reported to co-segregate with the disease in at least 7 similarly affected relatives/individuals in at least two unrelated families (PMID: 11575529, 7849712). Therefore, this variant is classified as Pathogenic according to the recommendation of ACMG/AMP guideline.

Revvity Omics, Revvity
Classification: Pathogenic. Last evaluated: 2025-07-28. Review status: criteria provided, single submitter. Criteria: ACMG Guidelines, 2015. Collection method: clinical testing. Allele origin: germline. Not counted in ClinVar's aggregate classification.

Department of Genetics, Rouen University Hospital, Normandy Center for Genomic and Personalized Medicine
Classification: Pathogenic for Malignant hyperthermia, susceptibility to, 1. Last evaluated: 2025-06-23. Review status: criteria provided, single submitter. Criteria: ACMG Guidelines, 2015. Collection method: clinical testing. Allele origin: paternal. Affected: yes. Not counted in ClinVar's aggregate classification.

Department of Human Genetics, Hannover Medical School
Classification: Pathogenic for Malignant hyperthermia, susceptibility to, 1. Last evaluated: 2025-02-25. Review status: criteria provided, single submitter. Criteria: ACMG Guidelines, 2015. Collection method: clinical testing. Allele origin: germline. Inheritance: Autosomal dominant inheritance. Affected: no. Not counted in ClinVar's aggregate classification.

ARUP Laboratories, Molecular Genetics and Genomics, ARUP Laboratories
Classification: Pathogenic. Last evaluated: 2024-11-19. Review status: criteria provided, single submitter. Criteria: ARUP Molecular Germline Variant Investigation Process 2024. Collection method: clinical testing. Allele origin: germline. Not counted in ClinVar's aggregate classification.
Comment: The RYR1 c.7300G>A; p.Gly2434Arg variant (rs121918593) is reported in multiple patients with malignant hyperthermia (MH) and shown to segregate with disease in families (Carpenter 2009, Girard 2001, Keating 1994, Robinson 2002, Sambuughin 2001). This variant is classified as pathogenic by an expert panel in the ClinVar database (Variation ID: 12970). It is observed in the general population with an overall allele frequency of 0.004% (11/282648 alleles) in the Genome Aggregation Database. Computational analyses predict that this variant is deleterious (REVEL: 0.965). In support of these predictions, knock-in mice expressing p.Gly2434Arg are shown to be susceptible to MH (Lopez 2018). Based on available information, the p.Gly2434Arg variant is considered to be pathogenic. References: Carpenter D et al. Genetic variation in RYR1 and malignant hyperthermia phenotypes. Br J Anaesth. 2009 Oct;103(4):538-48. PMID: 19648156. Girard T et al. Genotype-phenotype comparison of the Swiss malignant hyperthermia population. Hum Mutat. 2001 Oct;18(4):357-8. PMID: 11668625. Keating KE et al. Detection of a novel RYR1 mutation in four malignant hyperthermia pedigrees. Hum Mol Genet. 1994 Oct;3(10):1855-8. PMID: 7849712. Lopez JR et al. Malignant hyperthermia, environmental heat stress, and intracellular calcium dysregulation in a mouse model expressing the p.G2435R variant of RYR1. Br J Anaesth. 2018 Oct;121(4):953-961. PMID: 30236258. Robinson RL et al. RYR1 mutations causing central core disease are associated with more severe malignant hyperthermia in vitro contracture test phenotypes. Hum Mutat. 2002 Aug;20(2):88-97. PMID: 12124989. Sambuughin N et al. North American malignant hyperthermia population: screening of the ryanodine receptor gene and identification of novel mutations. Anesthesiology. 2001 Sep;95(3):594-9. PMID: 11575529.